The following is an entry in ClinVar:

NM_001042681.2(RERE):c.524G>A (p.Ser175Asn)

Gene: RERE (arginine-glutamic acid dipeptide repeats; minus strand). Cytogenetic location: 1p36.23.
Variant type: single nucleotide variant.
Coding change: c.524G>A on transcript NM_001042681.2 (MANE Select); coding-DNA position 524, G replaced by A.
Protein change: p.Ser175Asn; replaces serine 175 with asparagine.
Molecular consequence: missense variant.
Genome position (GRCh38, 1-based): chr1:8,557,522, C>T on the plus strand (G>A on the coding strand, the complement: RERE is on the minus strand). VCF-style: chr1-8557522-C-T. GRCh37 (hg19) VCF-style: chr1-8617581-C-T.
Other names: c.524G>A, p.Ser175Asn (NM_012102.4); short protein forms S175N.
Identifiers: ClinVar variation 3717923 (VCV003717923.2).

ClinVar aggregate classification (germline): Uncertain significance (1 of 4 stars; one submission).

gnomAD v4.1: 2 of 1,600,634 alleles (0.00012%); highest among the groups gnomAD compares: Non-Finnish European, 0.00017%; no homozygotes.

Submission:

Labcorp Genetics (formerly Invitae), Labcorp
Classification: Uncertain significance. Last evaluated: 2025-02-17. Review status: criteria provided, single submitter. Criteria: Invitae Variant Classification Sherloc (09022015). Collection method: clinical testing. Allele origin: germline.
Comment: This sequence change replaces serine, which is neutral and polar, with asparagine, which is neutral and polar, at codon 175 of the RERE protein (p.Ser175Asn). This variant is not present in population databases (gnomAD no frequency). This variant has not been reported in the literature in individuals affected with RERE-related conditions. An algorithm developed to predict the effect of missense changes on protein structure and function (PolyPhen-2) suggests that this variant is likely to be disruptive. In summary, the available evidence is currently insufficient to determine the role of this variant in disease. Therefore, it has been classified as a Variant of Uncertain Significance.